The following is an entry in ClinVar:

ClinVar aggregate classification (germline): Benign (0 of 4 stars; one submission).

Conditions:
MAP3K15-related disorder. Also called: MAP3K15-related condition.

Allele frequency attached by ClinVar (database versions not stated): ExAC 0.00117; 1000 Genomes Project 30x 0.00229; 1000 Genomes Project 0.00238; gnomAD 0.00316; TOPMed 0.00383; ESP Exome Variant Server 0.00464.
gnomAD v4.1: 715 of 1,209,560 alleles (0.059%); highest among the groups gnomAD compares: African/African-American, 1.1%; 2 homozygotes.

Submission:

PreventionGenetics, part of Exact Sciences
Classification: Benign for MAP3K15-related condition. Last evaluated: 2019-08-09. Review status: no assertion criteria provided. Collection method: clinical testing. Allele origin: germline.
Comment: This variant is classified as benign based on ACMG/AMP sequence variant interpretation guidelines (Richards et al. 2015 PMID: 25741868, with internal and published modifications).

NM_001001671.4(MAP3K15):c.2627C>G (p.Ala876Gly)

Gene: MAP3K15 (mitogen-activated protein kinase kinase kinase 15; minus strand). Cytogenetic location: Xp22.12.
Variant type: single nucleotide variant.
Coding change: c.2627C>G on transcript NM_001001671.4 (MANE Select); coding-DNA position 2627, C replaced by G.
Protein change: p.Ala876Gly; replaces alanine 876 with glycine.
Molecular consequence: missense variant.
Genome position (GRCh38, 1-based): chrX:19,374,623, G>C on the plus strand (C>G on the coding strand, the complement: MAP3K15 is on the minus strand). VCF-style: chrX-19374623-G-C. GRCh37 (hg19) VCF-style: chrX-19392741-G-C.
Other names: short protein forms A876G.
Identifiers: ClinVar variation 3035324 (VCV003035324.2), dbSNP rs144072326, ClinGen allele CA10363704.
Genomic context (GRCh38, chrX:19,374,623, plus strand): 5'-CGTTTGTGGGGGTCAGGCTCGAAACAGGATAAAATGAAGGCTCGGGCTTCAGCTGAAAGG[G>C]CTTCTGGAATCTCAGGGTGGATCTTAAACATGCCCACCTGCATTTAAGGGAGAGGTAACC-3'
Protein context (NP_001001671.3, residues 866-886): MFKIHPEIPE[Ala876Gly]LSAEARAFIL